The following is an entry in ClinVar:

NC_000002.11:g.(?_152342274)_(152432888_?)dup

Gene: NEB (nebulin; minus strand). Cytogenetic location: 2q23.3.
Variant type: Duplication.
Identifiers: ClinVar variation 1399811 (VCV001399811.3).

ClinVar aggregate classification (germline): Uncertain significance (1 of 4 stars; one submission).

Conditions:
Nemaline myopathy 2 (NEM2). Also called: Nemaline myopathy 2, autosomal recessive. Identifiers: MedGen C1850569, MONDO:0009725, OMIM 256030.

Submission:

Labcorp Genetics (formerly Invitae), Labcorp
Classification: Uncertain significance for Nemaline myopathy 2. Last evaluated: 2021-09-09. Review status: criteria provided, single submitter. Criteria: Invitae Variant Classification Sherloc (09022015). Collection method: clinical testing. Allele origin: germline.
Comment: This variant results in a copy number gain of the genomic region encompassing exon(s) 106-183 of the NEB gene. The 5' boundary is likely confined to intron 105. The 3' end of this event is unknown as it extends beyond the assayed region for this gene and therefore may encompass additional genes. As the precise location of this event is unknown, it may be in tandem or it may be located elsewhere in the genome. This variant has not been reported in the literature in individuals with NEB-related conditions. In summary, the available evidence is currently insufficient to determine the role of this variant in disease. Therefore, it has been classified as a Variant of Uncertain Significance.